The following is an entry in ClinVar:

NM_020937.4(FANCM):c.5041A>G (p.Asn1681Asp)

Gene: FANCM (FA complementation group M; plus strand). Cytogenetic location: 14q21.2.
Variant type: single nucleotide variant.
Coding change: c.5041A>G on transcript NM_020937.4 (MANE Select); coding-DNA position 5041, A replaced by G.
Protein change: p.Asn1681Asp; replaces asparagine 1681 with aspartic acid.
Molecular consequence: missense variant.
Genome position (GRCh38, 1-based): chr14:45,189,063, A>G. VCF-style: chr14-45189063-A-G. GRCh37 (hg19) VCF-style: chr14-45658266-A-G.
Other names: c.4963A>G, p.Asn1655Asp (NM_001308133.2); short protein forms N1655D, N1681D.
Identifiers: ClinVar variation 1476779 (VCV001476779.8), dbSNP rs2139296522, ClinGen allele CA389612102.

ClinVar aggregate classification (germline): Uncertain significance (1 of 4 stars; one submission).

Conditions:
Fanconi anemia (FA). Also called: Fanconi's anemia. Identifiers: Orphanet 84, MedGen C0015625, MeSH D005199, MONDO:0019391.

Submission:

Labcorp Genetics (formerly Invitae), Labcorp
Classification: Uncertain significance for Fanconi anemia. Last evaluated: 2021-05-29. Review status: criteria provided, single submitter. Criteria: Invitae Variant Classification Sherloc (09022015). Collection method: clinical testing. Allele origin: germline.
Comment: In summary, the available evidence is currently insufficient to determine the role of this variant in disease. Therefore, it has been classified as a Variant of Uncertain Significance. Algorithms developed to predict the effect of missense changes on protein structure and function output the following: SIFT: "Tolerated"; PolyPhen-2: "Benign"; Align-GVGD: "Class C0". The aspartic acid amino acid residue is found in multiple mammalian species, suggesting that this missense change does not adversely affect protein function. These predictions have not been confirmed by published functional studies and their clinical significance is uncertain. This variant has not been reported in the literature in individuals with FANCM-related conditions. This variant is not present in population databases (ExAC no frequency). This sequence change replaces asparagine with aspartic acid at codon 1681 of the FANCM protein (p.Asn1681Asp). The asparagine residue is weakly conserved and there is a small physicochemical difference between asparagine and aspartic acid.